The following is an entry in ClinVar:

NM_024844.5(NUP85):c.800G>A (p.Arg267Gln)

Gene: NUP85 (nucleoporin 85; plus strand). Cytogenetic location: 17q25.1.
Variant type: single nucleotide variant.
Coding change: c.800G>A on transcript NM_024844.5 (MANE Select); coding-DNA position 800, G replaced by A.
Protein change: p.Arg267Gln; replaces arginine 267 with glutamine.
Molecular consequence: missense variant.
Genome position (GRCh38, 1-based): chr17:75,225,409, G>A. VCF-style: chr17-75225409-G-A. GRCh37 (hg19) VCF-style: chr17-73221504-G-A.
Other names: c.662G>A, p.Arg221Gln (NM_001303276.2); c.665G>A, p.Arg222Gln (NM_001330472.2); short protein forms R222Q, R267Q, R221Q.
Identifiers: ClinVar variation 2188888 (VCV002188888.4), dbSNP rs563377292, ClinGen allele CA8758610.

ClinVar aggregate classification (germline): Uncertain significance (1 of 4 stars; one submission).

Allele frequency attached by ClinVar (database versions not stated): ExAC 0.00001; gnomAD 0.00001; gnomAD exomes 0.00001; TOPMed 0.00001.
gnomAD v4.1: 12 of 1,614,034 alleles (0.00074%); highest among the groups gnomAD compares: African/African-American, 0.0027%; no homozygotes.

Submission:

Labcorp Genetics (formerly Invitae), Labcorp
Classification: Uncertain significance. Last evaluated: 2024-10-30. Review status: criteria provided, single submitter. Criteria: Invitae Variant Classification Sherloc (09022015). Collection method: clinical testing. Allele origin: germline.
Comment: This sequence change replaces arginine, which is basic and polar, with glutamine, which is neutral and polar, at codon 267 of the NUP85 protein (p.Arg267Gln). This variant is present in population databases (rs563377292, gnomAD 0.004%). This variant has not been reported in the literature in individuals affected with NUP85-related conditions. ClinVar contains an entry for this variant (Variation ID: 2188888). An algorithm developed to predict the effect of missense changes on protein structure and function (PolyPhen-2) suggests that this variant is likely to be tolerated. In summary, the available evidence is currently insufficient to determine the role of this variant in disease. Therefore, it has been classified as a Variant of Uncertain Significance.